The following is an entry in ClinVar:

ClinVar aggregate classification (germline): Benign (0 of 4 stars; one submission).

Conditions:
GIT1-related disorder. Also called: GIT1-related condition.

Allele frequency attached by ClinVar (database versions not stated): gnomAD exomes 0.00053; ExAC 0.00253; 1000 Genomes Project 0.00499; gnomAD 0.00526; 1000 Genomes Project 30x 0.00531; TOPMed 0.00599; ESP Exome Variant Server 0.00620.
gnomAD v4.1: 1,565 of 1,575,784 alleles (0.099%); highest among the groups gnomAD compares: African/African-American, 1.9%; 17 homozygotes.

Submission:

PreventionGenetics, part of Exact Sciences
Classification: Benign for GIT1-related condition. Last evaluated: 2020-01-02. Review status: no assertion criteria provided. Collection method: clinical testing. Allele origin: germline.
Comment: This variant is classified as benign based on ACMG/AMP sequence variant interpretation guidelines (Richards et al. 2015 PMID: 25741868, with internal and published modifications).

NM_014030.4(GIT1):c.1200C>T (p.Thr400=)

Genes: GIT1 (GIT ArfGAP 1; minus strand), TP53I13 (tumor protein p53 inducible protein 13; plus strand). Cytogenetic location: 17q11.2.
Variant type: single nucleotide variant.
Coding change: c.1200C>T on transcript NM_014030.4 (MANE Select); coding-DNA position 1200, C replaced by T.
Protein change: p.Thr400=; no amino-acid change (threonine 400 retained).
Molecular consequence: synonymous variant.
Genome position (GRCh38, 1-based): chr17:29,576,890, G>A on the plus strand (C>T on the coding strand, the complement: GIT1 is on the minus strand). VCF-style: chr17-29576890-G-A. GRCh37 (hg19) VCF-style: chr17-27903908-G-A.
Other names: c.1227C>T, p.Thr409= (NM_001085454.2).
Identifiers: ClinVar variation 3040526 (VCV003040526.2), dbSNP rs141462052, ClinGen allele CA8476121.